The following is an entry in ClinVar:

ClinVar aggregate classification (germline): Uncertain significance (1 of 4 stars; one submission).

Conditions:
Gastrointestinal stromal tumor. Also called: Gastrointestinal stromal tumor, somatic; Gastrointestinal stroma tumor. Identifiers: Orphanet 44890, MedGen C0238198, MeSH D046152, MONDO:0011719, OMIM 606764, HP:0100723.

Submission:

Labcorp Genetics (formerly Invitae), Labcorp
Classification: Uncertain significance for Gastrointestinal stromal tumor. Last evaluated: 2020-10-26. Review status: criteria provided, single submitter. Criteria: Invitae Variant Classification Sherloc (09022015). Collection method: clinical testing. Allele origin: germline.
Comment: In summary, the available evidence is currently insufficient to determine the role of this variant in disease. Therefore, it has been classified as a Variant of Uncertain Significance. Algorithms developed to predict the effect of sequence changes on RNA splicing suggest that this variant may create or strengthen a splice site, but this prediction has not been confirmed by published transcriptional studies. Algorithms developed to predict the effect of missense changes on protein structure and function output the following: SIFT: "Tolerated"; PolyPhen-2: "Benign"; Align-GVGD: "Class C0". The valine amino acid residue is found in multiple mammalian species, suggesting that this missense change does not adversely affect protein function. These predictions have not been confirmed by published functional studies and their clinical significance is uncertain. This variant has not been reported in the literature in individuals with KIT-related conditions. This variant is not present in population databases (ExAC no frequency). This sequence change replaces leucine with valine at codon 182 of the KIT protein (p.Leu182Val). The leucine residue is moderately conserved and there is a small physicochemical difference between leucine and valine.

NM_000222.3(KIT):c.544C>G (p.Leu182Val)

Gene: KIT (KIT proto-oncogene, receptor tyrosine kinase; plus strand). Cytogenetic location: 4q12.
Variant type: single nucleotide variant.
Coding change: c.544C>G on transcript NM_000222.3 (MANE Select); coding-DNA position 544, C replaced by G.
Protein change: p.Leu182Val; replaces leucine 182 with valine.
Molecular consequence: missense variant.
Genome position (GRCh38, 1-based): chr4:54,698,490, C>G. VCF-style: chr4-54698490-C-G. GRCh37 (hg19) VCF-style: chr4-55564656-C-G.
Other names: c.544C>G, p.Leu182Val (NM_001093772.2, NM_001385284.1, NM_001385285.1 and 4 more transcripts); short protein forms L182V.
Identifiers: ClinVar variation 1044067 (VCV001044067.9), dbSNP rs1720234665, ClinGen allele CA356897835.